The following is an entry in ClinVar:

ClinVar aggregate classification (germline): Uncertain significance. Review status: criteria provided, multiple submitters, no conflicts (2 of 4 stars). 2 submissions from 2 submitters: Uncertain significance (2). Last evaluated 2026-07-07.

Conditions:
Hereditary cancer-predisposing syndrome. Also called: Tumor predisposition; Hereditary Cancer Syndrome; Hereditary neoplastic syndrome; Neoplastic Syndromes, Hereditary. Identifiers: Orphanet 140162, MedGen C0027672, MeSH D009386, MONDO:0015356.
DICER1-related tumor predisposition. Also called: DICER1-related pleuropulmonary blastoma cancer predisposition syndrome; DICER1 syndrome. Identifiers: Orphanet 284343, MedGen C3839822, MONDO:0100216.

Submissions (2):

Ambry Genetics
Classification: Uncertain significance for Hereditary cancer-predisposing syndrome. Last evaluated: 2026-07-07. Review status: criteria provided, single submitter. Criteria: Ambry Variant Classification Scheme 2023. Collection method: clinical testing. Allele origin: germline.
Comment: The p.L297F variant (also known as c.891A>T), located in coding exon 6 of the DICER1 gene, results from an A to T substitution at nucleotide position 891. The leucine at codon 297 is replaced by phenylalanine, an amino acid with highly similar properties. This amino acid position is conserved. In addition, this alteration is predicted to be tolerated by in silico analysis. Based on the available evidence, the clinical significance of this variant remains unclear.

Labcorp Genetics (formerly Invitae), Labcorp
Classification: Uncertain significance for DICER1-related tumor predisposition. Last evaluated: 2021-01-31. Review status: criteria provided, single submitter. Criteria: Invitae Variant Classification Sherloc (09022015). Collection method: clinical testing. Allele origin: germline.
Comment: This sequence change replaces leucine with phenylalanine at codon 297 of the DICER1 protein (p.Leu297Phe). The leucine residue is moderately conserved and there is a small physicochemical difference between leucine and phenylalanine. This variant is not present in population databases (ExAC no frequency). This variant has not been reported in the literature in individuals with DICER1-related conditions. Algorithms developed to predict the effect of missense changes on protein structure and function output the following: SIFT: "Tolerated"; PolyPhen-2: "Benign"; Align-GVGD: "Class C0". The phenylalanine amino acid residue is found in multiple mammalian species, suggesting that this missense change does not adversely affect protein function. These predictions have not been confirmed by published functional studies and their clinical significance is uncertain. In summary, the available evidence is currently insufficient to determine the role of this variant in disease. Therefore, it has been classified as a Variant of Uncertain Significance.

NM_177438.3(DICER1):c.891A>T (p.Leu297Phe)

Gene: DICER1 (dicer 1, ribonuclease III; minus strand). Cytogenetic location: 14q32.13.
Variant type: single nucleotide variant.
Coding change: c.891A>T on transcript NM_177438.3 (MANE Select); coding-DNA position 891, A replaced by T.
Protein change: p.Leu297Phe; replaces leucine 297 with phenylalanine.
Molecular consequence: missense variant.
Genome position (GRCh38, 1-based): chr14:95,126,592, T>A on the plus strand (A>T on the coding strand, the complement: DICER1 is on the minus strand). VCF-style: chr14-95126592-T-A. GRCh37 (hg19) VCF-style: chr14-95592929-T-A.
Other names: c.891A>T (NM_177438.2); c.891A>T, p.Leu297Phe (NM_001195573.1, NM_001271282.3, NM_001291628.2 and 1 more transcripts); short protein forms L297F.
Identifiers: ClinVar variation 1045573 (VCV001045573.11), dbSNP rs1893477290, ClinGen allele CA390887442.